The following is an entry in ClinVar:

NM_004260.4(RECQL4):c.757dup (p.Gln253fs)

Gene: RECQL4 (RecQ like helicase 4; minus strand). Cytogenetic location: 8q24.3.
Variant type: Duplication.
Coding change: c.757dup on transcript NM_004260.4 (MANE Select); coding-DNA position 757, one base duplicated (C; older notation c.757dupC).
Protein change: p.Gln253fs; shifts the reading frame from glutamine 253.
Molecular consequence: frameshift variant. On other transcripts: 5 prime UTR variant (17), non-coding transcript variant (3).
Genome position (GRCh38, 1-based): chr8:144,516,362, G duplicated on the plus strand (C on the coding strand, the reverse complement: RECQL4 is on the minus strand); the first of 5 consecutive G bases (chr8:144,516,362-144,516,366); duplicating any one gives the same sequence. VCF-style (leftmost placement, unchanged base first): chr8-144516361-T-TG. GRCh37 (hg19) VCF-style: chr8-145741745-T-TG.
Other names: c.757dup, p.Gln253fs (NM_001413017.1, NM_001413018.1, NM_001413019.1 and 4 more transcripts); c.-315dup (NM_001413021.1, NM_001413022.1, NM_001413023.1 and 7 more transcripts); c.628dup, p.Gln210fs (NM_001413025.1); c.-377dup (NM_001413027.1, NM_001413030.1, NM_001413031.1 and 2 more transcripts); c.406dup, p.Gln136fs (NM_001413029.1); c.-219dup (NM_001413034.1); c.-584dup (NM_001413043.1); short protein forms Q136fs, Q210fs, Q253fs.
Identifiers: ClinVar variation 3647534 (VCV003647534.2).

ClinVar aggregate classification (germline): Pathogenic (1 of 4 stars; one submission).

Conditions:
Baller-Gerold syndrome (BGS). Also called: CRANIOSYNOSTOSIS WITH RADIAL DEFECTS. Identifiers: Orphanet 1225, MedGen C0265308, MONDO:0009039, OMIM 218600.

Submission:

Labcorp Genetics (formerly Invitae), Labcorp
Classification: Pathogenic for Baller-Gerold syndrome. Last evaluated: 2024-03-25. Review status: criteria provided, single submitter. Criteria: Invitae Variant Classification Sherloc (09022015). Collection method: clinical testing. Allele origin: germline.
Comment: This sequence change creates a premature translational stop signal (p.Gln253Profs*43) in the RECQL4 gene. It is expected to result in an absent or disrupted protein product. Loss-of-function variants in RECQL4 are known to be pathogenic (PMID: 12734318, 12952869). This variant is not present in population databases (gnomAD no frequency). This variant has not been reported in the literature in individuals affected with RECQL4-related conditions. For these reasons, this variant has been classified as Pathogenic.

Literature cited by the submitters: PubMed 12734318; PubMed 12952869.